The following is an entry in ClinVar:

ClinVar aggregate classification (germline): Uncertain significance. Review status: criteria provided, multiple submitters, no conflicts (2 of 4 stars). 2 submissions from 2 submitters: Uncertain significance (2). Last evaluated 2025-09-27.

Conditions:
Hereditary cancer-predisposing syndrome. Also called: Neoplastic Syndromes, Hereditary; Tumor predisposition; Hereditary Cancer Syndrome; Hereditary neoplastic syndrome. Identifiers: Orphanet 140162, MedGen C0027672, MeSH D009386, MONDO:0015356.

Allele frequency attached by ClinVar (database versions not stated): gnomAD 0.00001; gnomAD exomes 0.00001; ExAC 0.00002.
gnomAD v4.1: 15 of 1,613,766 alleles (0.00093%); highest among the groups gnomAD compares: African/African-American, 0.0053%; no homozygotes.

Submissions (2):

Labcorp Genetics (formerly Invitae), Labcorp
Classification: Uncertain significance. Last evaluated: 2025-09-27. Review status: criteria provided, single submitter. Criteria: Invitae Variant Classification Sherloc (09022015). Collection method: clinical testing. Allele origin: germline.
Comment: This sequence change replaces glycine, which is neutral and non-polar, with arginine, which is basic and polar, at codon 1501 of the POLE protein (p.Gly1501Arg). This variant is present in population databases (rs758114596, gnomAD 0.003%). This variant has not been reported in the literature in individuals affected with POLE-related conditions. ClinVar contains an entry for this variant (Variation ID: 473668). Invitae Evidence Modeling of protein sequence and biophysical properties (such as structural, functional, and spatial information, amino acid conservation, physicochemical variation, residue mobility, and thermodynamic stability) indicates that this missense variant is not expected to disrupt POLE protein function with a negative predictive value of 80%. In summary, the available evidence is currently insufficient to determine the role of this variant in disease. Therefore, it has been classified as a Variant of Uncertain Significance.

Ambry Genetics
Classification: Uncertain significance for Hereditary cancer-predisposing syndrome. Last evaluated: 2024-12-23. Review status: criteria provided, single submitter. Criteria: Ambry Variant Classification Scheme 2023. Collection method: clinical testing. Allele origin: germline.
Comment: The p.G1501R variant (also known as c.4501G>A), located in coding exon 35 of the POLE gene, results from a G to A substitution at nucleotide position 4501. The glycine at codon 1501 is replaced by arginine, an amino acid with dissimilar properties. This amino acid position is highly conserved in available vertebrate species. In addition, the in silico prediction for this alteration is inconclusive. Based on the available evidence, the clinical significance of this variant remains unclear.

NM_006231.4(POLE):c.4501G>A (p.Gly1501Arg)

Gene: POLE (DNA polymerase epsilon, catalytic subunit; minus strand). Cytogenetic location: 12q24.33.
Variant type: single nucleotide variant.
Coding change: c.4501G>A on transcript NM_006231.4 (MANE Select); coding-DNA position 4501, G replaced by A.
Protein change: p.Gly1501Arg; replaces glycine 1501 with arginine.
Molecular consequence: missense variant.
Genome position (GRCh38, 1-based): chr12:132,643,274, C>T on the plus strand (G>A on the coding strand, the complement: POLE is on the minus strand). VCF-style: chr12-132643274-C-T. GRCh37 (hg19) VCF-style: chr12-133219860-C-T.
Other names: c.4501G>A (NM_006231.2); short protein forms G1501R.
Identifiers: ClinVar variation 473668 (VCV000473668.9), dbSNP rs758114596, ClinGen allele CA6892821.